The following is an entry in ClinVar:

NM_052989.3(IFT122):c.2376-97A>G

Gene: IFT122 (intraflagellar transport 122; plus strand). Cytogenetic location: 3q22.1.
Variant type: single nucleotide variant.
Coding change: c.2376-97A>G on transcript NM_052989.3 (MANE Select); 97 bases into the intron before coding-DNA position 2376, A replaced by G.
Molecular consequence: intron variant.
Genome position (GRCh38, 1-based): chr3:129,502,614, A>G. VCF-style: chr3-129502614-A-G. GRCh37 (hg19) VCF-style: chr3-129221457-A-G.
Other names: c.1926-97A>G (NM_001280545.2); c.2529-97A>G (NM_052985.4); c.2352-97A>G (NM_001280541.2); c.2376-97A>G (NM_001410808.1); c.2322-97A>G (NM_001410809.1); c.2199-97A>G (NM_001410810.1, NM_018262.4); c.2145-97A>G (NM_001410811.1, NM_001410813.1); c.1749-97A>G (NM_001280546.2); and 4 more.
Identifiers: ClinVar variation 4293082 (VCV004293082.1).

ClinVar aggregate classification (germline): Uncertain significance (1 of 4 stars; one submission).

Conditions:
Cranioectodermal dysplasia 1 (CED1). Also called: LEVIN SYNDROME I. Identifiers: Orphanet 1515, MedGen C0432235, MONDO:0021093, OMIM 218330.

Submission:

3billion
Classification: Uncertain significance for Cranioectodermal dysplasia 1. Last evaluated: 2025-01-10. Review status: criteria provided, single submitter. Criteria: ACMG Guidelines, 2015. Collection method: clinical testing. Allele origin: germline. Affected: yes.
Comment: The variant is observed at an extremely low frequency in the gnomAD v4.1.0 dataset (total allele frequency: 0.015%). Predicted Consequence/Location: Intron variant Therefore, this variant is classified as VUS according to the recommendation of ACMG/AMP guideline.